The following is an entry in ClinVar:

ClinVar aggregate classification (germline): Uncertain significance. Review status: criteria provided, multiple submitters, no conflicts (2 of 4 stars). 2 submissions from 2 submitters: Uncertain significance (2). Last evaluated 2025-02-05.

Conditions:
Gastrointestinal stromal tumor. Also called: Gastrointestinal stromal tumor, somatic; Gastrointestinal stroma tumor. Identifiers: Orphanet 44890, MedGen C0238198, MeSH D046152, MONDO:0011719, OMIM 606764, HP:0100723.
Hereditary cancer-predisposing syndrome. Also called: Tumor predisposition; Neoplastic Syndromes, Hereditary; Hereditary Cancer Syndrome; Hereditary neoplastic syndrome. Identifiers: Orphanet 140162, MedGen C0027672, MeSH D009386, MONDO:0015356.

gnomAD v4.1: 1 of 1,613,924 alleles (0.000062%); highest among the groups gnomAD compares: South Asian, 0.0011%; no homozygotes.

Submissions (2):

Ambry Genetics
Classification: Uncertain significance for Hereditary cancer-predisposing syndrome. Last evaluated: 2025-02-05. Review status: criteria provided, single submitter. Criteria: Ambry Variant Classification Scheme 2023. Collection method: clinical testing. Allele origin: germline.
Comment: The p.Y243C variant (also known as c.728A>G), located in coding exon 4 of the KIT gene, results from an A to G substitution at nucleotide position 728. The tyrosine at codon 243 is replaced by cysteine, an amino acid with highly dissimilar properties. This amino acid position is conserved. In addition, this alteration is predicted to be tolerated by in silico analysis. Based on the available evidence, the clinical significance of this variant remains unclear.

Labcorp Genetics (formerly Invitae), Labcorp
Classification: Uncertain significance for Gastrointestinal stromal tumor. Last evaluated: 2023-11-13. Review status: criteria provided, single submitter. Criteria: Invitae Variant Classification Sherloc (09022015). Collection method: clinical testing. Allele origin: germline.
Comment: This sequence change replaces tyrosine, which is neutral and polar, with cysteine, which is neutral and slightly polar, at codon 243 of the KIT protein (p.Tyr243Cys). This variant is not present in population databases (gnomAD no frequency). This variant has not been reported in the literature in individuals affected with KIT-related conditions. ClinVar contains an entry for this variant (Variation ID: 1509400). An algorithm developed to predict the effect of missense changes on protein structure and function (PolyPhen-2) suggests that this variant is likely to be tolerated. In summary, the available evidence is currently insufficient to determine the role of this variant in disease. Therefore, it has been classified as a Variant of Uncertain Significance.

NM_000222.3(KIT):c.728A>G (p.Tyr243Cys)

Gene: KIT (KIT proto-oncogene, receptor tyrosine kinase; plus strand). Cytogenetic location: 4q12.
Variant type: single nucleotide variant.
Coding change: c.728A>G on transcript NM_000222.3 (MANE Select); coding-DNA position 728, A replaced by G.
Protein change: p.Tyr243Cys; replaces tyrosine 243 with cysteine.
Molecular consequence: missense variant.
Genome position (GRCh38, 1-based): chr4:54,699,738, A>G. VCF-style: chr4-54699738-A-G. GRCh37 (hg19) VCF-style: chr4-55565904-A-G.
Other names: c.728A>G (NM_000222.2); c.728A>G, p.Tyr243Cys (NM_001093772.2, NM_001385284.1, NM_001385285.1 and 4 more transcripts); short protein forms Y243C.
Identifiers: ClinVar variation 1509400 (VCV001509400.7), dbSNP rs1577958787, ClinGen allele CA356898562.
Genomic context (GRCh38, chr4:54,699,738, plus strand): 5'-TTAGGGAAGGGGAAGAATTCACAGTGACGTGCACAATAAAAGATGTGTCTAGTTCTGTGT[A>G]CTCAACGTGGAAAAGAGAAAACAGTCAGGTGAGTGAATCGCTTCATTCTTCTCATGTTCT-3'
Protein context (NP_000213.1, residues 233-253): CTIKDVSSSV[Tyr243Cys]STWKRENSQT